The following is an entry in ClinVar:

NM_006922.4(SCN3A):c.4681A>G (p.Ile1561Val)

Gene: SCN3A (sodium voltage-gated channel alpha subunit 3; minus strand). Cytogenetic location: 2q24.3.
Variant type: single nucleotide variant.
Coding change: c.4681A>G on transcript NM_006922.4 (MANE Select); coding-DNA position 4681, A replaced by G.
Protein change: p.Ile1561Val; replaces isoleucine 1561 with valine.
Molecular consequence: missense variant.
Genome position (GRCh38, 1-based): chr2:165,092,380, T>C on the plus strand (A>G on the coding strand, the complement: SCN3A is on the minus strand). VCF-style: chr2-165092380-T-C. GRCh37 (hg19) VCF-style: chr2-165948890-T-C.
Other names: c.4534A>G, p.Ile1512Val (NM_001081676.2, NM_001081677.2); short protein forms I1512V, I1561V.
Identifiers: ClinVar variation 1483432 (VCV001483432.8), dbSNP rs2105626775, ClinGen allele CA349019070.

ClinVar aggregate classification (germline): Uncertain significance (1 of 4 stars; one submission).

Allele frequency attached by ClinVar (database versions not stated): gnomAD exomes below 0.00001.
gnomAD v4.1: 2 of 1,613,976 alleles (0.00012%); highest among the groups gnomAD compares: Non-Finnish European, 0.00017%; no homozygotes.

Submission:

Labcorp Genetics (formerly Invitae), Labcorp
Classification: Uncertain significance. Last evaluated: 2022-05-27. Review status: criteria provided, single submitter. Criteria: Invitae Variant Classification Sherloc (09022015). Collection method: clinical testing. Allele origin: germline.
Comment: In summary, the available evidence is currently insufficient to determine the role of this variant in disease. Therefore, it has been classified as a Variant of Uncertain Significance. Algorithms developed to predict the effect of missense changes on protein structure and function are either unavailable or do not agree on the potential impact of this missense change (SIFT: "Deleterious"; PolyPhen-2: "Probably Damaging"; Align-GVGD: "Class C0"). This variant has not been reported in the literature in individuals affected with SCN3A-related conditions. This variant is not present in population databases (gnomAD no frequency). This sequence change replaces isoleucine, which is neutral and non-polar, with valine, which is neutral and non-polar, at codon 1561 of the SCN3A protein (p.Ile1561Val).